The following is an entry in ClinVar:

ClinVar aggregate classification (germline): Uncertain significance. Review status: criteria provided, multiple submitters, no conflicts (2 of 4 stars). 2 submissions from 2 submitters: Uncertain significance (2). Last evaluated 2023-05-22.

Conditions:
Inborn genetic diseases. Identifiers: MedGen C0950123, MeSH D030342.

Allele frequency attached by ClinVar (database versions not stated): gnomAD exomes below 0.00001; TOPMed below 0.00001; gnomAD 0.00001.
gnomAD v4.1: 3 of 1,614,064 alleles (0.00019%); highest among the groups gnomAD compares: African/African-American, 0.0013%; no homozygotes.

Submissions (2):

GeneDx
Classification: Uncertain significance. Last evaluated: 2023-05-22. Review status: criteria provided, single submitter. Criteria: GeneDx Variant Classification Process June 2021. Collection method: clinical testing. Allele origin: germline. Affected: yes.
Comment: Not observed at significant frequency in large population cohorts (gnomAD); In silico analysis supports that this missense variant has a deleterious effect on protein structure/function; Has not been previously published as pathogenic or benign to our knowledge

Ambry Genetics
Classification: Uncertain significance for Inborn genetic diseases. Last evaluated: 2022-07-12. Review status: criteria provided, single submitter. Criteria: Ambry Variant Classification Scheme 2023. Collection method: clinical testing. Allele origin: germline.

NM_001273.5(CHD4):c.172A>G (p.Lys58Glu)

Gene: CHD4 (chromodomain helicase DNA binding protein 4; minus strand). Cytogenetic location: 12p13.31.
Variant type: single nucleotide variant.
Coding change: c.172A>G on transcript NM_001273.5 (MANE Select); coding-DNA position 172, A replaced by G.
Protein change: p.Lys58Glu; replaces lysine 58 with glutamic acid.
Molecular consequence: missense variant.
Genome position (GRCh38, 1-based): chr12:6,602,426, T>C on the plus strand (A>G on the coding strand, the complement: CHD4 is on the minus strand). VCF-style: chr12-6602426-T-C. GRCh37 (hg19) VCF-style: chr12-6711592-T-C.
Other names: c.172A>G, p.Lys58Glu (NM_001297553.2, NM_001363606.2); short protein forms K58E.
Identifiers: ClinVar variation 2300792 (VCV002300792.3), dbSNP rs1948613284, ClinGen allele CA383605387.